The following is an entry in ClinVar:

NM_206933.4(USH2A):c.3026C>T (p.Ala1009Val)

Genes: USH2A (usherin; minus strand), USH2A-AS1 (USH2A antisense RNA 1; plus strand). Cytogenetic location: 1q41.
Variant type: single nucleotide variant.
Coding change: c.3026C>T on transcript NM_206933.4 (MANE Select); coding-DNA position 3026, C replaced by T.
Protein change: p.Ala1009Val; replaces alanine 1009 with valine.
Molecular consequence: missense variant.
Genome position (GRCh38, 1-based): chr1:216,217,518, G>A on the plus strand (C>T on the coding strand, the complement: USH2A is on the minus strand). VCF-style: chr1-216217518-G-A. GRCh37 (hg19) VCF-style: chr1-216390860-G-A.
Other names: c.3026C>T, p.Ala1009Val (NM_007123.6); short protein forms A1009V.
Identifiers: ClinVar variation 859423 (VCV000859423.17), dbSNP rs150729680, ClinGen allele CA1396100.
Genomic context (GRCh38, chr1:216,217,518, plus strand): 5'-CCAGTGACAAATTGTTTACAGAAACACTGGCCTGTGACCAAGTGACAGGTTTCATTCAAG[G>A]CTCCTGAGAGATGACAATTACAAGGCTGACATCTGAAAACAAGGCAAATAAACCATCAAA-3'
Protein context (NP_996816.3, residues 999-1019): CQPCNCHLSG[Ala1009Val]LNETCHLVTG

ClinVar aggregate classification (germline): Conflicting classifications of pathogenicity. Review status: criteria provided, conflicting classifications (1 of 4 stars). 5 submissions from 5 submitters: Uncertain significance (3); Likely benign (1). 1 of the submissions does not count toward it. Last evaluated 2026-01-20.

Conditions:
Inborn genetic diseases. Identifiers: MedGen C0950123, MeSH D030342.
Usher syndrome type 2A. Also called: USHER SYNDROME, TYPE IIA; RETINAL DISEASE IN USHER SYNDROME TYPE IIA, MODIFIER OF. Identifiers: Orphanet 231178, Orphanet 886, MedGen C1848634, MONDO:0010169, OMIM 276901.

Allele frequency attached by ClinVar (database versions not stated): 1000 Genomes Project 30x 0.00078; TOPMed 0.00029; ESP Exome Variant Server 0.00031; 1000 Genomes Project 0.00080.
gnomAD v4.1: 99 of 1,613,134 alleles (0.0061%); highest among the groups gnomAD compares: African/African-American, 0.11%; no homozygotes.

Submissions (5):

Labcorp Genetics (formerly Invitae), Labcorp
Classification: Likely benign. Last evaluated: 2026-01-20. Review status: criteria provided, single submitter. Criteria: Invitae Variant Classification Sherloc (09022015). Collection method: clinical testing. Allele origin: germline.

Ambry Genetics
Classification: Uncertain significance for Inborn genetic diseases. Last evaluated: 2025-10-18. Review status: criteria provided, single submitter. Criteria: Ambry Variant Classification Scheme 2023. Collection method: clinical testing. Allele origin: germline.

Blueprint Genetics
Classification: Uncertain significance. Last evaluated: 2024-02-15. Review status: criteria provided, single submitter. Criteria: ACMG Guidelines, 2015. Collection method: clinical testing. Allele origin: germline.

GeneDx
Classification: Uncertain significance. Last evaluated: 2021-03-12. Review status: criteria provided, single submitter. Criteria: GeneDx Variant Classification Process June 2021. Collection method: clinical testing. Allele origin: germline. Affected: yes.
Comment: In silico analysis supports that this missense variant does not alter protein structure/function; Has not been previously published as pathogenic or benign to our knowledge

Natera, Inc.
Classification: Uncertain significance for Usher syndrome type 2A. Last evaluated: 2020-09-16. Review status: no assertion criteria provided. Collection method: clinical testing. Allele origin: germline. Not counted in ClinVar's aggregate classification.